The following is an entry in ClinVar:

NM_001170629.2(CHD8):c.7267C>G (p.Arg2423Gly)

Gene: CHD8 (chromodomain helicase DNA binding protein 8; minus strand). Cytogenetic location: 14q11.2.
Variant type: single nucleotide variant.
Coding change: c.7267C>G on transcript NM_001170629.2 (MANE Select); coding-DNA position 7267, C replaced by G.
Protein change: p.Arg2423Gly; replaces arginine 2423 with glycine.
Molecular consequence: missense variant.
Genome position (GRCh38, 1-based): chr14:21,386,092, G>C on the plus strand (C>G on the coding strand, the complement: CHD8 is on the minus strand). VCF-style: chr14-21386092-G-C. GRCh37 (hg19) VCF-style: chr14-21854251-G-C.
Other names: c.6430C>G, p.Arg2144Gly (NM_020920.4); short protein forms R2144G, R2423G.
Identifiers: ClinVar variation 1311003 (VCV001311003.2), dbSNP rs1555312075, ClinGen allele CA388875537.

ClinVar aggregate classification (germline): Uncertain significance (1 of 4 stars; one submission).

Allele frequency attached by ClinVar (database versions not stated): gnomAD 0.00001; TOPMed 0.00001.
gnomAD v4.1: 2 of 1,564,796 alleles (0.00013%); highest among the groups gnomAD compares: African/African-American, 0.0014%; no homozygotes.

Submission:

GeneDx
Classification: Uncertain significance. Last evaluated: 2019-12-18. Review status: criteria provided, single submitter. Criteria: GeneDx Variant Classification Process June 2021. Collection method: clinical testing. Allele origin: germline. Affected: yes.
Comment: Not observed in large population cohorts (Lek et al., 2016); In silico analysis, which includes protein predictors and evolutionary conservation, supports a deleterious effect; Has not been previously published as pathogenic or benign to our knowledge